The following is an entry in ClinVar:

NM_001851.6(COL9A1):c.1181G>A (p.Gly394Asp)

Genes: COL9A1 (collagen type IX alpha 1 chain; minus strand), LOC129996692 (ATAC-STARR-seq lymphoblastoid active region 24730; plus strand). Cytogenetic location: 6q13.
Variant type: single nucleotide variant.
Coding change: c.1181G>A on transcript NM_001851.6 (MANE Select); coding-DNA position 1181, G replaced by A.
Protein change: p.Gly394Asp; replaces glycine 394 with aspartic acid.
Molecular consequence: missense variant. On other transcripts: non-coding transcript variant (1).
Genome position (GRCh38, 1-based): chr6:70,270,330, C>T on the plus strand (G>A on the coding strand, the complement: COL9A1 is on the minus strand). VCF-style: chr6-70270330-C-T. GRCh37 (hg19) VCF-style: chr6-70980033-C-T.
Other names: c.452G>A, p.Gly151Asp (NM_001377289.1, NM_001377290.1, NM_078485.4); short protein forms G151D, G394D.
Identifiers: ClinVar variation 1426503 (VCV001426503.5), dbSNP rs1200234360, ClinGen allele CA364681190.

ClinVar aggregate classification (germline): Uncertain significance (1 of 4 stars; one submission).

Submission:

Labcorp Genetics (formerly Invitae), Labcorp
Classification: Uncertain significance. Last evaluated: 2022-09-27. Review status: criteria provided, single submitter. Criteria: Invitae Variant Classification Sherloc (09022015). Collection method: clinical testing. Allele origin: germline.
Comment: In summary, the available evidence is currently insufficient to determine the role of this variant in disease. Therefore, it has been classified as a Variant of Uncertain Significance. This sequence change replaces glycine, which is neutral and non-polar, with aspartic acid, which is acidic and polar, at codon 394 of the COL9A1 protein (p.Gly394Asp). This variant is not present in population databases (gnomAD no frequency). This variant has not been reported in the literature in individuals affected with COL9A1-related conditions. ClinVar contains an entry for this variant (Variation ID: 1426503). Advanced modeling of protein sequence and biophysical properties (such as structural, functional, and spatial information, amino acid conservation, physicochemical variation, residue mobility, and thermodynamic stability) performed at Invitae indicates that this missense variant is expected to disrupt COL9A1 protein function.